The following is an entry in ClinVar:

ClinVar aggregate classification (germline): Uncertain significance (1 of 4 stars; one submission).

Conditions:
Myoclonic epilepsy, juvenile, susceptibility to, 1. Also called: Myoclonic Epilepsy, Juvenile, 1; EJM1. Identifiers: MedGen C1850778, MONDO:0020752, OMIM 254770.
Absence seizure. Also called: Absence epilepsy. Identifiers: Orphanet 1941, MedGen C0014553.

Allele frequency attached by ClinVar (database versions not stated): TOPMed 0.00001.
gnomAD v4.1: 19 of 1,614,026 alleles (0.0012%); highest among the groups gnomAD compares: South Asian, 0.0044%; no homozygotes.

Submission:

Labcorp Genetics (formerly Invitae), Labcorp
Classification: Uncertain significance for Myoclonic epilepsy, juvenile, susceptibility to, 1; Absence seizure. Last evaluated: 2019-09-12. Review status: criteria provided, single submitter. Criteria: Invitae Variant Classification Sherloc (09022015). Collection method: clinical testing. Allele origin: germline.
Comment: In summary, the available evidence is currently insufficient to determine the role of this variant in disease. Therefore, it has been classified as a Variant of Uncertain Significance. The current clinical and genetic evidence is not sufficient to establish whether loss-of-function variants in EFHC1 cause disease. This variant has not been reported in the literature in individuals with EFHC1-related disease. This variant is present in population databases (rs779990464, ExAC 0.006%). This sequence change creates a premature translational stop signal (p.Arg536*) in the EFHC1 gene. It is expected to result in an absent or disrupted protein product.

NM_018100.4(EFHC1):c.1606C>T (p.Arg536Ter)

Gene: EFHC1 (EF-hand domain containing 1; plus strand). Cytogenetic location: 6p12.2.
Variant type: single nucleotide variant.
Coding change: c.1606C>T on transcript NM_018100.4 (MANE Select); coding-DNA position 1606, C replaced by T.
Protein change: p.Arg536Ter; replaces arginine 536 with a stop codon.
Molecular consequence: nonsense. On other transcripts: non-coding transcript variant (1).
Genome position (GRCh38, 1-based): chr6:52,479,753, C>T. VCF-style: chr6-52479753-C-T. GRCh37 (hg19) VCF-style: chr6-52344551-C-T.
Other names: c.1549C>T, p.Arg517Ter (NM_001172420.2); short protein forms R536*, R517*.
Identifiers: ClinVar variation 659694 (VCV000659694.10), dbSNP rs779990464, ClinGen allele CA3856133.